The following is an entry in ClinVar:

ClinVar aggregate classification (germline): Uncertain significance (1 of 4 stars; one submission).

Submission:

Ambry Genetics
Classification: Uncertain significance. Last evaluated: 2026-03-21. Review status: criteria provided, single submitter. Criteria: Ambry Variant Classification Scheme 2023. Collection method: clinical testing. Allele origin: germline.
Comment: The p.E700K variant (also known as c.2098G>A), located in coding exon 19 of the SLMAP gene, results from a G to A substitution at nucleotide position 2098. The glutamic acid at codon 700 is replaced by lysine, an amino acid with similar properties. This amino acid position is conserved. In addition, this alteration is predicted to be tolerated by in silico analysis. Based on the available evidence, the clinical significance of this variant remains unclear.

NM_001377540.1(SLMAP):c.2200G>A (p.Glu734Lys)

Gene: SLMAP (sarcolemma associated protein; plus strand). Cytogenetic location: 3p14.3.
Variant type: single nucleotide variant.
Coding change: c.2200G>A on transcript NM_001377540.1 (MANE Select); coding-DNA position 2200, G replaced by A.
Protein change: p.Glu734Lys; replaces glutamic acid 734 with lysine.
Molecular consequence: missense variant. On other transcripts: non-coding transcript variant (1).
Genome position (GRCh38, 1-based): chr3:57,916,967, G>A. VCF-style: chr3-57916967-G-A. GRCh37 (hg19) VCF-style: chr3-57902694-G-A.
Other names: c.2149G>A, p.Glu717Lys (NM_001304420.3, NM_001377541.1, NM_001377542.1); c.2035G>A, p.Glu679Lys (NM_001304421.2, NM_001377559.1, NM_001377557.1); c.751G>A, p.Glu251Lys (NM_001304422.3, NM_001311178.2); c.553G>A, p.Glu185Lys (NM_001304423.3); c.628G>A, p.Glu210Lys (NM_001311179.2, NM_001377926.1, NM_001377927.1); c.2221G>A, p.Glu741Lys (NM_001377538.1); c.2200G>A, p.Glu734Lys (NM_001377539.1); c.2137G>A, p.Glu713Lys (NM_001377545.1); and 8 more; short protein forms E185K, E210K, E251K, E638K, E655K, E659K, E672K, E676K.
Identifiers: ClinVar variation 4864672 (VCV004864672.1).
Genomic context (GRCh38, chr3:57,916,967, plus strand): 5'-TCTCAGAAGCAGAGTTTAGAGCTTACCAGTGATCTCAGCATCCTTCAAATGTCTAGGAAA[G>A]AACTTGAGAATCAAGTGGGATCCTTGAAAGAACAGCATCTTCGGGATTCAGCTGATTTAA-3'
Protein context (NP_001364469.1, residues 724-744): DLSILQMSRK[Glu734Lys]LENQVGSLKE